The following is an entry in ClinVar:

ClinVar aggregate classification (germline): Benign (1 of 4 stars; one submission).

Conditions:
Jalili syndrome. Also called: CONE-ROD DYSTROPHY AND AMELOGENESIS IMPERFECTA. Identifiers: Orphanet 1873, MedGen C3495589, MONDO:0009007, OMIM 217080.

Allele frequency attached by ClinVar (database versions not stated): gnomAD exomes 0.01282; 1000 Genomes Project 30x 0.11446; gnomAD 0.09538 and 0.10231; TOPMed 0.10684; 1000 Genomes Project 0.10723.
gnomAD v4.1: 14,355 of 152,308 alleles (9.4%); highest among the groups gnomAD compares: African/African-American, 33%; 2,266 homozygotes.

Submission:

Illumina Laboratory Services, Illumina
Classification: Benign for Jalili syndrome. Last evaluated: 2018-01-12. Review status: criteria provided, single submitter. Criteria: ICSL Variant Classification Criteria 13 December 2019. Collection method: clinical testing. Allele origin: germline.
Comment: This variant was observed in the ICSL laboratory as part of a predisposition screen in an ostensibly healthy population. It had not been previously curated by ICSL or reported in the Human Gene Mutation Database (HGMD: prior to June 1st, 2018), and was therefore a candidate for classification through an automated scoring system. Utilizing variant allele frequency, disease prevalence and penetrance estimates, and inheritance mode, an automated score was calculated to assess if this variant is too frequent to cause the disease. Based on the score and internal cut-off values, a variant classified as benign is not then subjected to further curation. The score for this variant resulted in a classification of benign for this disease.

NM_020184.4(CNNM4):c.*1244C>T

Gene: CNNM4 (cyclin and CBS domain divalent metal cation transport mediator 4; plus strand). Cytogenetic location: 2q11.2.
Variant type: single nucleotide variant.
Coding change: c.*1244C>T on transcript NM_020184.4 (MANE Select); 1244 bases downstream of the stop codon, C replaced by T.
Molecular consequence: 3 prime UTR variant.
Genome position (GRCh38, 1-based): chr2:96,810,761, C>T. VCF-style: chr2-96810761-C-T. GRCh37 (hg19) VCF-style: chr2-97476498-C-T.
Identifiers: ClinVar variation 337607 (VCV000337607.5), dbSNP rs7565577, ClinGen allele CA10616467.